The following is an entry in ClinVar:

ClinVar aggregate classification (germline): Conflicting classifications of pathogenicity. Review status: criteria provided, conflicting classifications (1 of 4 stars). 3 submissions from 3 submitters: Uncertain significance (1); Likely benign (1). 1 of the submissions does not count toward it. Last evaluated 2026-03-04.

Conditions:
ATP13A2-related disorder. Also called: ATP13A2-related condition; ATP13A2-related disorders.
Autosomal recessive spastic paraplegia type 78. Identifiers: Orphanet 513436, MedGen C5567893, MONDO:0014975, OMIM 617225.
Kufor-Rakeb syndrome (KRS). Also called: PARKINSON DISEASE 9, AUTOSOMAL RECESSIVE, JUVENILE-ONSET. Identifiers: Orphanet 306674, Orphanet 314632, MedGen C1847640, MONDO:0011706, OMIM 606693.

Allele frequency attached by ClinVar (database versions not stated): gnomAD 0.00002; gnomAD exomes 0.00006 and 0.00029; TOPMed 0.00007; ExAC 0.00035.
gnomAD v4.1: 85 of 1,614,048 alleles (0.0053%); highest among the groups gnomAD compares: Admixed American, 0.12%; 1 homozygote.

Submissions (3):

GeneDx
Classification: Uncertain significance. Last evaluated: 2026-03-04. Review status: criteria provided, single submitter. Criteria: GeneDx Variant Classification Process June 2021. Collection method: clinical testing. Allele origin: germline.
Comment: In silico analysis supports that this missense variant has a deleterious effect on protein structure/function; Has not been previously published as pathogenic or benign to our knowledge

Labcorp Genetics (formerly Invitae), Labcorp
Classification: Likely benign for Kufor-Rakeb syndrome; Autosomal recessive spastic paraplegia type 78. Last evaluated: 2025-12-08. Review status: criteria provided, single submitter. Criteria: Invitae Variant Classification Sherloc (09022015). Collection method: clinical testing. Allele origin: germline.

PreventionGenetics, part of Exact Sciences
Classification: Likely benign for ATP13A2-related condition. Last evaluated: 2024-07-30. Review status: no assertion criteria provided. Collection method: clinical testing. Allele origin: germline. Not counted in ClinVar's aggregate classification.
Comment: This variant is classified as likely benign based on ACMG/AMP sequence variant interpretation guidelines (Richards et al. 2015 PMID: 25741868, with internal and published modifications).

NM_022089.4(ATP13A2):c.2723C>T (p.Ser908Leu)

Gene: ATP13A2 (ATPase cation transporting 13A2; minus strand). Cytogenetic location: 1p36.13.
Variant type: single nucleotide variant.
Coding change: c.2723C>T on transcript NM_022089.4 (MANE Select); coding-DNA position 2723, C replaced by T.
Protein change: p.Ser908Leu; replaces serine 908 with leucine.
Molecular consequence: missense variant.
Genome position (GRCh38, 1-based): chr1:16,988,361, G>A on the plus strand (C>T on the coding strand, the complement: ATP13A2 is on the minus strand). VCF-style: chr1-16988361-G-A. GRCh37 (hg19) VCF-style: chr1-17314856-G-A.
Other names: c.2708C>T, p.Ser903Leu (NM_001141973.3); c.2591C>T, p.Ser864Leu (NM_001141974.3); c.2723C>T (NM_022089.3, NM_022089.2); short protein forms S864L, S903L, S908L.
Identifiers: ClinVar variation 1548582 (VCV001548582.10), dbSNP rs763069105, ClinGen allele CA636731.